The following is an entry in ClinVar:

NM_001211.6(BUB1B):c.661G>C (p.Val221Leu)

Gene: BUB1B (BUB1 mitotic checkpoint serine/threonine kinase B; plus strand). Cytogenetic location: 15q15.1.
Variant type: single nucleotide variant.
Coding change: c.661G>C on transcript NM_001211.6 (MANE Select); coding-DNA position 661, G replaced by C.
Protein change: p.Val221Leu; replaces valine 221 with leucine.
Molecular consequence: missense variant.
Genome position (GRCh38, 1-based): chr15:40,183,793, G>C. VCF-style: chr15-40183793-G-C. GRCh37 (hg19) VCF-style: chr15-40475994-G-C.
Other names: short protein forms V221L.
Identifiers: ClinVar variation 3483164 (VCV003483164.1).
Genomic context (GRCh38, chr15:40,183,793, plus strand): 5'-TCTCGGCAAACTCTGTTGGCACTTGAGAAAGAAGAAGAGGAGGAAGTTTTTGAGTCTTCT[G>C]TACCACAACGAAGCACACTAGCTGAACTAAAGAGCAAAGGGAAAAAGACAGCAAGAGCTC-3'
Protein context (NP_001202.5, residues 211-231): EEEEEVFESS[Val221Leu]PQRSTLAELK

ClinVar aggregate classification (germline): Uncertain significance (1 of 4 stars; one submission).

Conditions:
Inborn genetic diseases. Identifiers: MedGen C0950123, MeSH D030342.

Submission:

Ambry Genetics
Classification: Uncertain significance for Inborn genetic diseases. Last evaluated: 2024-08-07. Review status: criteria provided, single submitter. Criteria: Ambry Variant Classification Scheme 2023. Collection method: clinical testing. Allele origin: germline.
Comment: The p.V221L variant (also known as c.661G>C), located in coding exon 6 of the BUB1B gene, results from a G to C substitution at nucleotide position 661. The valine at codon 221 is replaced by leucine, an amino acid with highly similar properties. This amino acid position is conserved. In addition, this alteration is predicted to be tolerated by in silico analysis. Based on the available evidence, the clinical significance of this variant remains unclear.